The following is an entry in ClinVar:

ClinVar aggregate classification (germline): Uncertain significance (1 of 4 stars; one submission).

Conditions:
Glycogen storage disease, type VII (GSD7). Also called: GSD VII; MUSCLE PHOSPHOFRUCTOKINASE DEFICIENCY; PFKM DEFICIENCY; TARUI DISEASE. Identifiers: Orphanet 371, MedGen C0017926, MONDO:0009295, OMIM 232800.

Submission:

Department of Haematogenetics, ICMR National Institute of Immunohaematology
Classification: Uncertain significance for Glycogen storage disease, type VII. Last evaluated: 2026-07-25. Review status: criteria provided, single submitter. Criteria: ACMG Guidelines, 2015. Collection method: research. Allele origin: germline. Affected: yes.
Comment: This variant is absent (or extremely rare) in population databases, supporting PM2. Multiple computational prediction tools predict a damaging effect on protein function, and the affected amino acid residue is evolutionarily conserved, supporting PP3. The patient's phenotype is highly specific for PFKM deficiency, supporting PP4. Based on the ACMG/AMP guidelines (PM2, PP3, PP4), this variant is classified as Variant of Uncertain Significance.

NM_000289.6(PFKM):c.971T>C (p.Leu324Pro)

Gene: PFKM (phosphofructokinase, muscle; plus strand). Cytogenetic location: 12q13.11.
Variant type: single nucleotide variant.
Coding change: c.971T>C on transcript NM_000289.6 (MANE Select); coding-DNA position 971, T replaced by C.
Protein change: p.Leu324Pro; replaces leucine 324 with proline.
Molecular consequence: missense variant. On other transcripts: non-coding transcript variant (6), intron variant (1).
Genome position (GRCh38, 1-based): chr12:48,137,755, T>C. VCF-style: chr12-48137755-T-C. GRCh37 (hg19) VCF-style: chr12-48531538-T-C.
Other names: c.1184T>C, p.Leu395Pro (NM_001166686.2, NM_001354737.1, NM_001354738.1 and 1 more transcripts); c.971T>C, p.Leu324Pro (NM_001166687.2, NM_001166688.2, NM_001354742.2 and 2 more transcripts); c.1280T>C, p.Leu427Pro (NM_001354735.1, NM_001354736.1); c.1115T>C, p.Leu372Pro (NM_001354740.1); c.995T>C, p.Leu332Pro (NM_001354741.2); c.884T>C, p.Leu295Pro (NM_001354745.2); c.821T>C, p.Leu274Pro (NM_001354747.2, NM_001354748.2); c.878T>C, p.Leu293Pro (NM_001363619.2); and 2 more; short protein forms L274P, L293P, L295P, L324P, L332P, L364P, L372P, L395P.
Identifiers: ClinVar variation 4879983 (VCV004879983.1).